The following is an entry in ClinVar:

ClinVar aggregate classification (germline): Uncertain significance (1 of 4 stars; one submission).

Conditions:
Autosomal recessive limb-girdle muscular dystrophy type 2P. Also called: Limb-Girdle Muscular Dystrophy Type 9C; MUSCULAR DYSTROPHY, LIMB-GIRDLE, TYPE 2P; MUSCULAR DYSTROPHY-DYSTROGLYCANOPATHY, LIMB-GIRDLE, DAG1-RELATED. Identifiers: Orphanet 280333, MedGen C4511963, MONDO:0013440, OMIM 613818.
Muscular dystrophy-dystroglycanopathy (congenital with brain and eye anomalies), type A9. Also called: Muscular dystrophy-dystroglycanopathy (congenital with brain and eye anomalies), type a, 9; WALKER-WARBURG SYNDROME OR MUSCLE-EYE BRAIN DISEASE, DAG1-RELATED. Identifiers: Orphanet 370997, Orphanet 899, MedGen C4225291, MONDO:0014683, OMIM 616538.

Allele frequency attached by ClinVar (database versions not stated): TOPMed below 0.00001.

Submission:

Labcorp Genetics (formerly Invitae), Labcorp
Classification: Uncertain significance for Autosomal recessive limb-girdle muscular dystrophy type 2P; Muscular dystrophy-dystroglycanopathy (congenital with brain and eye anomalies), type A9. Last evaluated: 2022-06-16. Review status: criteria provided, single submitter. Criteria: Invitae Variant Classification Sherloc (09022015). Collection method: clinical testing. Allele origin: germline.
Comment: This sequence change replaces proline, which is neutral and non-polar, with glutamine, which is neutral and polar, at codon 810 of the DAG1 protein (p.Pro810Gln). This variant is not present in population databases (gnomAD no frequency). In summary, the available evidence is currently insufficient to determine the role of this variant in disease. Therefore, it has been classified as a Variant of Uncertain Significance. Algorithms developed to predict the effect of missense changes on protein structure and function are either unavailable or do not agree on the potential impact of this missense change (SIFT: "Tolerated"; PolyPhen-2: "Probably Damaging"; Align-GVGD: "Class C0"). This variant has not been reported in the literature in individuals affected with DAG1-related conditions.

NM_004393.6(DAG1):c.2429C>A (p.Pro810Gln)

Gene: DAG1 (dystroglycan 1; plus strand). Cytogenetic location: 3p21.31.
Variant type: single nucleotide variant.
Coding change: c.2429C>A on transcript NM_004393.6 (MANE Select); coding-DNA position 2429, C replaced by A.
Protein change: p.Pro810Gln; replaces proline 810 with glutamine.
Molecular consequence: missense variant.
Genome position (GRCh38, 1-based): chr3:49,532,940, C>A. VCF-style: chr3-49532940-C-A. GRCh37 (hg19) VCF-style: chr3-49570373-C-A.
Other names: c.2429C>A, p.Pro810Gln (NM_001165928.4, NM_001177634.3, NM_001177635.3 and 9 more transcripts); short protein forms P810Q.
Identifiers: ClinVar variation 2144591 (VCV002144591.3), dbSNP rs544035734, ClinGen allele CA74522718.